The following is an entry in ClinVar:

NM_203447.4(DOCK8):c.4267G>C (p.Ala1423Pro)

Gene: DOCK8 (dedicator of cytokinesis 8; plus strand). Cytogenetic location: 9p24.3.
Variant type: single nucleotide variant.
Coding change: c.4267G>C on transcript NM_203447.4 (MANE Select); coding-DNA position 4267, G replaced by C.
Protein change: p.Ala1423Pro; replaces alanine 1423 with proline.
Molecular consequence: missense variant.
Genome position (GRCh38, 1-based): chr9:426,910, G>C. VCF-style: chr9-426910-G-C. GRCh37 (hg19) VCF-style: chr9-426910-G-C.
Other names: c.3967G>C, p.Ala1323Pro (NM_001190458.2); c.4063G>C, p.Ala1355Pro (NM_001193536.2); short protein forms A1355P, A1323P, A1423P.
Identifiers: ClinVar variation 1420175 (VCV001420175.9), dbSNP rs764066199, ClinGen allele CA4959018.

ClinVar aggregate classification (germline): Uncertain significance. Review status: criteria provided, multiple submitters, no conflicts (2 of 4 stars). 2 submissions from 2 submitters: Uncertain significance (2). Last evaluated 2024-03-20.

Conditions:
Combined immunodeficiency due to DOCK8 deficiency (HIES2). Also called: Hyper-IgE recurrent infection syndrome, autosomal recessive; DOCK8 Deficiency; HYPER-IgE RECURRENT INFECTION SYNDROME 2, AUTOSOMAL RECESSIVE; HIES autosomal recessive; HYPER-IgE SYNDROME 2, AUTOSOMAL RECESSIVE, WITH RECURRENT INFECTIONS. Identifiers: Orphanet 217390, MedGen C4722305, MONDO:0009478, OMIM 243700.

Allele frequency attached by ClinVar (database versions not stated): TOPMed 0.00001; ExAC 0.00002; gnomAD exomes 0.00002.
gnomAD v4.1: 6 of 1,614,076 alleles (0.00037%); highest among the groups gnomAD compares: Admixed American, 0.0067%; no homozygotes.

Submissions (2):

Institute of Human Genetics, University of Leipzig Medical Center
Classification: Uncertain significance for Combined immunodeficiency due to DOCK8 deficiency. Last evaluated: 2024-03-20. Review status: criteria provided, single submitter. Criteria: ACMG Guidelines, 2015. Collection method: clinical testing. Allele origin: unknown. Inheritance: Autosomal recessive inheritance. Affected: yes.
Comment: Criteria applied: PM2_SUP,PP3,BP1

Labcorp Genetics (formerly Invitae), Labcorp
Classification: Uncertain significance for Combined immunodeficiency due to DOCK8 deficiency. Last evaluated: 2022-06-13. Review status: criteria provided, single submitter. Criteria: Invitae Variant Classification Sherloc (09022015). Collection method: clinical testing. Allele origin: germline.
Comment: In summary, the available evidence is currently insufficient to determine the role of this variant in disease. Therefore, it has been classified as a Variant of Uncertain Significance. Algorithms developed to predict the effect of missense changes on protein structure and function are either unavailable or do not agree on the potential impact of this missense change (SIFT: "Tolerated"; PolyPhen-2: "Probably Damaging"; Align-GVGD: "Class C0"). This variant has not been reported in the literature in individuals affected with DOCK8-related conditions. This variant is present in population databases (rs764066199, gnomAD 0.009%). This sequence change replaces alanine, which is neutral and non-polar, with proline, which is neutral and non-polar, at codon 1423 of the DOCK8 protein (p.Ala1423Pro).